The following is an entry in ClinVar:

ClinVar aggregate classification (germline): Benign. Review status: criteria provided, multiple submitters, no conflicts (2 of 4 stars). 3 submissions from 3 submitters: Benign (3). Last evaluated 2026-01-19.

Conditions:
Isolated focal non-epidermolytic palmoplantar keratoderma. Also called: Palmoplantar keratoderma, nonepidermolytic, focal 2. Identifiers: Orphanet 448264, MedGen C4225339, MONDO:0014622, OMIM 616400.

Allele frequency attached by ClinVar (database versions not stated): 1000 Genomes Project 0.02316; 1000 Genomes Project 30x 0.02405; ESP Exome Variant Server 0.02945; TOPMed 0.02740.
gnomAD v4.1: 9,801 of 1,613,932 alleles (0.61%); highest among the groups gnomAD compares: African/African-American, 8.4%; 309 homozygotes.

Submissions (3):

Labcorp Genetics (formerly Invitae), Labcorp
Classification: Benign. Last evaluated: 2026-01-19. Review status: criteria provided, single submitter. Criteria: Invitae Variant Classification Sherloc (09022015). Collection method: clinical testing. Allele origin: germline.

Illumina Laboratory Services, Illumina
Classification: Benign for Isolated focal non-epidermolytic palmoplantar keratoderma. Last evaluated: 2018-01-13. Review status: criteria provided, single submitter. Criteria: ICSL Variant Classification Criteria 13 December 2019. Collection method: clinical testing. Allele origin: germline.
Comment: This variant was observed in the ICSL laboratory as part of a predisposition screen in an ostensibly healthy population. It had not been previously curated by ICSL or reported in the Human Gene Mutation Database (HGMD: prior to June 1st, 2018), and was therefore a candidate for classification through an automated scoring system. Utilizing variant allele frequency, disease prevalence and penetrance estimates, and inheritance mode, an automated score was calculated to assess if this variant is too frequent to cause the disease. Based on the score and internal cut-off values, a variant classified as benign is not then subjected to further curation. The score for this variant resulted in a classification of benign for this disease.

Breakthrough Genomics
Classification: Benign. Review status: criteria provided, single submitter. Criteria: ACMG Guidelines, 2015. Collection method: not provided. Allele origin: germline. Inheritance: Autosomal dominant inheritance. Affected: yes.

NM_145068.4(TRPV3):c.592G>A (p.Asp198Asn)

Gene: TRPV3 (transient receptor potential cation channel subfamily V member 3; minus strand). Cytogenetic location: 17p13.2.
Variant type: single nucleotide variant.
Coding change: c.592G>A on transcript NM_145068.4 (MANE Select); coding-DNA position 592, G replaced by A.
Protein change: p.Asp198Asn; replaces aspartic acid 198 with asparagine.
Molecular consequence: missense variant.
Genome position (GRCh38, 1-based): chr17:3,542,573, C>T on the plus strand (G>A on the coding strand, the complement: TRPV3 is on the minus strand). VCF-style: chr17-3542573-C-T. GRCh37 (hg19) VCF-style: chr17-3445867-C-T.
Other names: c.592G>A, p.Asp198Asn (NM_001258205.2); short protein forms D198N.
Identifiers: ClinVar variation 322787 (VCV000322787.14), dbSNP rs78615718, ClinGen allele CA8289795.